The following is an entry in ClinVar:

GRCh37/hg19 22q13.33(chr22:51121376-51183840)x1

Genes: ACR (acrosin; plus strand), SHANK3 (SH3 and multiple ankyrin repeat domains 3; plus strand). Cytogenetic location: 22q13.33.
Variant type: copy number loss.
Change: copy number 1 (one copy instead of two) of chr22:51,121,376-51,183,840 (62.5 kb, GRCh37 coordinates, 1-based), cytogenetic band 22q13.33.
Identifiers: ClinVar variation 1807849 (VCV001807849.1).

ClinVar aggregate classification (germline): Pathogenic (1 of 4 stars; one submission).

Submission:

Quest Diagnostics Nichols Institute San Juan Capistrano
Classification: Pathogenic. Last evaluated: 2022-01-05. Review status: criteria provided, single submitter. Criteria: ACMG/ClinGen CNV Guidelines, 2019. Collection method: clinical testing. Allele origin: unknown.
Comment: This imbalance is expected to cause phenotypic and/or developmental abnormalities. The genomic alteration involves the 3' portion of the SHANK3 gene (OMIM 606230) and is expected to cause Phelan-McDermid syndrome (OMIM 606232). Patients with this syndrome may manifest neonatal hypotonia, global developmental delay, normal to accelerated growth, absent to severely delayed speech, autistic behavior, and minor dysmorphic features. Haploinsufficiency of the SHANK3 gene has been shown to be responsible for the majority of the phenotype. However, patients with sequence-level variations within SHANK3 and intragenic deletions may have a less severe clinical presentation compared to patients with large, non-focal SHANK3 deletions. (Phelan et al., GeneReviews. [updated 2018 Jun 7]. PMID: 20301377; Sarasua et al., Genet Med. 2014 Apr;16(4):318-28., PMID: 24136618; Durand, et al., Nature Genet. 39: 25-27, 2007. PMID: 17173049; Dhar, S.U. et al., Am J Med Genet A. 2010 Mar; 152A(3):573-81. PMID: 20186804).